The following is an entry in ClinVar:

ClinVar aggregate classification (germline): Uncertain significance (1 of 4 stars; one submission).

Conditions:
Cardiovascular phenotype. Identifiers: MedGen CN230736.
Hereditary cancer-predisposing syndrome. Also called: Neoplastic Syndromes, Hereditary; Tumor predisposition; Hereditary Cancer Syndrome; Hereditary neoplastic syndrome. Identifiers: Orphanet 140162, MedGen C0027672, MeSH D009386, MONDO:0015356.

Submission:

Ambry Genetics
Classification: Uncertain significance for Cardiovascular phenotype; Hereditary cancer-predisposing syndrome. Last evaluated: 2026-05-01. Review status: criteria provided, single submitter. Criteria: Ambry Variant Classification Scheme 2023. Collection method: clinical testing. Allele origin: germline.
Comment: The p.I967L variant (also known as c.2899A>T), located in coding exon 22 of the NF1 gene, results from an A to T substitution at nucleotide position 2899. The isoleucine at codon 967 is replaced by leucine, an amino acid with highly similar properties. This amino acid position is highly conserved in available vertebrate species. In addition, the in silico prediction for this alteration is inconclusive. Based on the available evidence, the clinical significance of this variant remains unclear.

NM_001042492.3(NF1):c.2899A>T (p.Ile967Leu)

Gene: NF1 (neurofibromin 1; plus strand). Cytogenetic location: 17q11.2.
Variant type: single nucleotide variant.
Coding change: c.2899A>T on transcript NM_001042492.3 (MANE Select); coding-DNA position 2899, A replaced by T.
Protein change: p.Ile967Leu; replaces isoleucine 967 with leucine.
Molecular consequence: missense variant.
Genome position (GRCh38, 1-based): chr17:31,229,883, A>T. VCF-style: chr17-31229883-A-T. GRCh37 (hg19) VCF-style: chr17-29556901-A-T.
Other names: c.2899A>T, p.Ile967Leu (NM_000267.4); short protein forms I967L.
Identifiers: ClinVar variation 4860952 (VCV004860952.1).
Genomic context (GRCh38, chr17:31,229,883, plus strand): 5'-TTCTTTCTTTAGGTTTTATTGACTGATACCAATACTCAATTTGTAGAACAAACCATAGCT[A>T]TAATGAAGAACTTGCTAGATAATCATACTGAAGGCAGCTCTGAACATCTAGGGCAAGCTA-3'
Protein context (NP_001035957.1, residues 957-977): NTQFVEQTIA[Ile967Leu]MKNLLDNHTE